The following is an entry in ClinVar:

NM_000311.5(PRNP):c.306G>A (p.Pro102=)

Gene: PRNP (prion protein (Kanno blood group); plus strand). Cytogenetic location: 20p13.
Variant type: single nucleotide variant.
Coding change: c.306G>A on transcript NM_000311.5 (MANE Select); coding-DNA position 306, G replaced by A.
Protein change: p.Pro102=; no amino-acid change (proline 102 retained).
Molecular consequence: synonymous variant. On other transcripts: missense variant (1).
Genome position (GRCh38, 1-based): chr20:4,699,526, G>A. VCF-style: chr20-4699526-G-A. GRCh37 (hg19) VCF-style: chr20-4680172-G-A.
Other names: c.306G>A, p.Pro102= (NM_001080121.3, NM_001080122.3, NM_001080123.3 and 1 more transcripts); c.217G>A, p.Glu73Lys (NM_001271561.3); short protein forms E73K.
Identifiers: ClinVar variation 766882 (VCV000766882.24), dbSNP rs370426100, ClinGen allele CA9752048.

ClinVar aggregate classification (germline): Benign/Likely benign. Review status: criteria provided, multiple submitters, no conflicts (2 of 4 stars). 4 submissions from 4 submitters: Benign (1); Likely benign (3). Last evaluated 2025-12-01.

Conditions:
Inherited Creutzfeldt-Jakob disease. Also called: Creutzfeldt-Jakob Disease, Familial; Genetic Creutzfeldt-Jakob Disease (Genetic CJD). Identifiers: Orphanet 204, Orphanet 282166, Orphanet 454700, MedGen C0751254, MONDO:0007403, OMIM 123400.
Gerstmann-Straussler-Scheinker syndrome (GSD). Also called: Spongiform encephalopathy; Cerebellar ataxia, progressive dementia, and amyloid deposits in the central nervous system; Encephalopathy subacute spongiform Gerstmann-Straussler type; GERSTMANN-STRAUSSLER DISEASE; CEREBELLAR ATAXIA, PROGRESSIVE DEMENTIA, AND AMYLOID DEPOSITS IN CNS; Spinocerebellar ataxia and plaque-like deposits. Identifiers: Orphanet 356, MedGen C0017495, MONDO:0007656, OMIM 137440.
Spongiform encephalopathy with neuropsychiatric features. Identifiers: MedGen C1847650, MONDO:0011703, OMIM 606688.
Fatal familial insomnia (FFI). Also called: Fatal Familial Insomnia (FFI). Identifiers: Orphanet 466, MedGen C0206042, MONDO:0010808, OMIM 600072.
Huntington disease-like 1 (HDL1). Also called: HUNTINGTON-LIKE NEURODEGENERATIVE DISORDER 1; HUNTINGTON-LIKE NEURODEGENERATIVE DISORDER, AUTOSOMAL DOMINANT; PRION DISEASE, EARLY-ONSET, WITH PROMINENT PSYCHIATRIC FEATURES. Identifiers: Orphanet 157941, MedGen C1864112, MONDO:0011299, OMIM 603218.
Kuru, susceptibility to. Identifiers: Orphanet 454745, MedGen C1855588, MONDO:0009500, OMIM 245300.

Allele frequency attached by ClinVar (database versions not stated): gnomAD exomes 0.00005 and 0.00022; ESP Exome Variant Server 0.00008; gnomAD 0.00011 and 0.00012; ExAC 0.00017; TOPMed 0.00020.
gnomAD v4.1: 87 of 1,613,814 alleles (0.0054%); highest among the groups gnomAD compares: Admixed American, 0.09%; no homozygotes.

Submissions (4):

CeGaT Center for Human Genetics Tuebingen
Classification: Likely benign. Last evaluated: 2025-12-01. Review status: criteria provided, single submitter. Criteria: CeGaT Center For Human Genetics Tuebingen Variant Classification Criteria Version 2. Collection method: clinical testing. Allele origin: germline. Affected: yes. Observed: 1 variant allele.
Comment: PRNP: BS2

Labcorp Genetics (formerly Invitae), Labcorp
Classification: Benign for Huntington disease-like 1. Last evaluated: 2025-03-10. Review status: criteria provided, single submitter. Criteria: Invitae Variant Classification Sherloc (09022015). Collection method: clinical testing. Allele origin: germline.

Fulgent Genetics
Classification: Likely benign for Inherited Creutzfeldt-Jakob disease; Gerstmann-Straussler-Scheinker syndrome; Kuru, susceptibility to; Fatal familial insomnia; Huntington disease-like 1; Spongiform encephalopathy with neuropsychiatric features. Last evaluated: 2021-09-21. Review status: criteria provided, single submitter. Criteria: ACMG Guidelines, 2015. Collection method: clinical testing. Allele origin: unknown.

ARUP Laboratories, Molecular Genetics and Genomics, ARUP Laboratories
Classification: Likely benign. Last evaluated: 2020-03-13. Review status: criteria provided, single submitter. Criteria: ARUP Molecular Germline Variant Investigation Process. Collection method: clinical testing. Allele origin: germline.